The following is an entry in ClinVar:

ClinVar aggregate classification (germline): Uncertain significance. Review status: criteria provided, multiple submitters, no conflicts (2 of 4 stars). 3 submissions from 3 submitters: Uncertain significance (3). Last evaluated 2025-11-03.

Conditions:
Inborn genetic diseases. Identifiers: MedGen C0950123, MeSH D030342.

Submissions (3):

Ambry Genetics
Classification: Uncertain significance for Inborn genetic diseases. Last evaluated: 2025-11-03. Review status: criteria provided, single submitter. Criteria: Ambry Variant Classification Scheme 2023. Collection method: clinical testing. Allele origin: germline.

Blueprint Genetics
Classification: Uncertain significance. Last evaluated: 2022-04-13. Review status: criteria provided, single submitter. Criteria: ACMG Guidelines, 2015. Collection method: clinical testing. Allele origin: germline.

Labcorp Genetics (formerly Invitae), Labcorp
Classification: Uncertain significance. Last evaluated: 2022-03-10. Review status: criteria provided, single submitter. Criteria: Invitae Variant Classification Sherloc (09022015). Collection method: clinical testing. Allele origin: germline.
Comment: This sequence change replaces alanine, which is neutral and non-polar, with threonine, which is neutral and polar, at codon 415 of the FAM161A protein (p.Ala415Thr). This variant is not present in population databases (gnomAD no frequency). This variant has not been reported in the literature in individuals affected with FAM161A-related conditions. Algorithms developed to predict the effect of missense changes on protein structure and function output the following: SIFT: "Tolerated"; PolyPhen-2: "Benign"; Align-GVGD: "Class C0". The threonine amino acid residue is found in multiple mammalian species, which suggests that this missense change does not adversely affect protein function. In summary, the available evidence is currently insufficient to determine the role of this variant in disease. Therefore, it has been classified as a Variant of Uncertain Significance.

NM_001201543.2(FAM161A):c.1243G>A (p.Ala415Thr)

Gene: FAM161A (FAM161 centrosomal protein A; minus strand). Cytogenetic location: 2p15.
Variant type: single nucleotide variant.
Coding change: c.1243G>A on transcript NM_001201543.2 (MANE Select); coding-DNA position 1243, G replaced by A.
Protein change: p.Ala415Thr; replaces alanine 415 with threonine.
Molecular consequence: missense variant. On other transcripts: non-coding transcript variant (1).
Genome position (GRCh38, 1-based): chr2:61,839,761, C>T on the plus strand (G>A on the coding strand, the complement: FAM161A is on the minus strand). VCF-style: chr2-61839761-C-T. GRCh37 (hg19) VCF-style: chr2-62066896-C-T.
Other names: c.1243G>A (NM_001201543.1); c.1243G>A, p.Ala415Thr (NM_032180.3); short protein forms A415T.
Identifiers: ClinVar variation 1503819 (VCV001503819.7), dbSNP rs2105081204, ClinGen allele CA346986957.